The following is an entry in ClinVar:

ClinVar aggregate classification (germline): Pathogenic/Likely pathogenic. Review status: criteria provided, multiple submitters, no conflicts (2 of 4 stars). 3 submissions from 3 submitters: Pathogenic (1); Likely pathogenic (2). Last evaluated 2024-02-23.

Conditions:
Joubert syndrome with renal defect. Also called: JOUBERT SYNDROME 4. Identifiers: Orphanet 220497, MedGen C1846790, MONDO:0012308, OMIM 609583.
Senior-Loken syndrome 1 (SLSN1). Also called: JUVENILE NEPHRONOPHTHISIS WITH LEBER AMAUROSIS. Identifiers: Orphanet 3156, MedGen C4551559, MONDO:0009962, OMIM 266900.
Nephronophthisis 1 (NPHP1). Also called: Nephronophthisis familial juvenile. Identifiers: Orphanet 655, Orphanet 93592, MedGen C1855681, MONDO:0009728, OMIM 256100.
Nephronophthisis. Also called: Juvenile Nephronophthisis. Identifiers: Orphanet 655, MedGen C0687120, MONDO:0019005, HP:0000090.

Submissions (3):

Fulgent Genetics
Classification: Likely pathogenic for Nephronophthisis 1; Senior-Loken syndrome 1; Joubert syndrome with renal defect. Last evaluated: 2024-02-23. Review status: criteria provided, single submitter. Criteria: ACMG Guidelines, 2015. Collection method: clinical testing. Allele origin: germline.

Labcorp Genetics (formerly Invitae), Labcorp
Classification: Pathogenic for Nephronophthisis. Last evaluated: 2023-06-19. Review status: criteria provided, single submitter. Criteria: Invitae Variant Classification Sherloc (09022015). Collection method: clinical testing. Allele origin: germline.
Comment: For these reasons, this variant has been classified as Pathogenic. Algorithms developed to predict the effect of sequence changes on RNA splicing suggest that this variant may disrupt the consensus splice site. This variant has not been reported in the literature in individuals affected with NPHP1-related conditions. This variant is not present in population databases (gnomAD no frequency). This sequence change creates a premature translational stop signal (p.Gln43*) in the NPHP1 gene. It is expected to result in an absent or disrupted protein product. Loss-of-function variants in NPHP1 are known to be pathogenic (PMID: 23559409).

Baylor Genetics
Classification: Likely pathogenic for Joubert syndrome with renal defect. Last evaluated: 2023-01-03. Review status: criteria provided, single submitter. Criteria: ACMG Guidelines, 2015. Collection method: clinical testing. Allele origin: unknown.

Literature cited by the submitters: PubMed 23559409 (cited by Labcorp Genetics (formerly Invitae), Labcorp).

NM_001128178.3(NPHP1):c.127C>T (p.Gln43Ter)

Gene: NPHP1 (nephrocystin 1; minus strand). Cytogenetic location: 2q13.
Variant type: single nucleotide variant.
Coding change: c.127C>T on transcript NM_001128178.3 (MANE Select); coding-DNA position 127, C replaced by T.
Protein change: p.Gln43Ter; replaces glutamine 43 with a stop codon.
Molecular consequence: nonsense.
Genome position (GRCh38, 1-based): chr2:110,201,437, G>A on the plus strand (C>T on the coding strand, the complement: NPHP1 is on the minus strand). VCF-style: chr2-110201437-G-A. GRCh37 (hg19) VCF-style: chr2-110959014-G-A.
Other names: c.127C>T, p.Gln43Ter (NM_000272.5, NM_001128179.3, NM_001374256.1 and 2 more transcripts); c.127C>T (NM_000272.4); short protein forms Q43*.
Identifiers: ClinVar variation 2677274 (VCV002677274.5), dbSNP rs2467599617, ClinGen allele CA348094090.